The following is an entry in ClinVar:

ClinVar aggregate classification (germline): Benign. Review status: criteria provided, multiple submitters, no conflicts (2 of 4 stars). 8 submissions from 7 submitters: Benign (8). Last evaluated 2026-02-04.

Conditions:
ABCD syndrome (ABCDS). Identifiers: MedGen C1838099, MONDO:0010895, OMIM 600501.
Hirschsprung disease, susceptibility to, 2. Identifiers: Orphanet 388, MedGen C1838564, MONDO:0010833, OMIM 600155.
Waardenburg syndrome type 4A (WS4A). Also called: WAARDENBURG SYNDROME WITH HIRSCHSPRUNG DISEASE, TYPE 4A. Identifiers: Orphanet 897, MedGen C1848519, MONDO:0010192, OMIM 277580.

Allele frequency attached by ClinVar (database versions not stated): 1000 Genomes Project 30x 0.98173; TOPMed 0.98361; 1000 Genomes Project 0.98383; gnomAD 0.98435 and 0.98530; ESP Exome Variant Server 0.98493; ExAC 0.99488; gnomAD exomes 0.99566 and 0.99821.
gnomAD v4.1: 1,607,908 of 1,612,874 alleles (100%); highest among the groups gnomAD compares: East Asian, 100%; 801,580 homozygotes.

Submissions (8):

Labcorp Genetics (formerly Invitae), Labcorp
Classification: Benign. Last evaluated: 2026-02-04. Review status: criteria provided, single submitter. Criteria: Invitae Variant Classification Sherloc (09022015). Collection method: clinical testing. Allele origin: germline.

Blueprint Genetics
Classification: Benign. Last evaluated: 2024-11-27. Review status: criteria provided, single submitter. Criteria: ACMG Guidelines, 2015. Collection method: clinical testing. Allele origin: germline.

Fulgent Genetics
Classification: Benign for Waardenburg syndrome type 4A; Hirschsprung disease, susceptibility to, 2; ABCD syndrome. Last evaluated: 2021-10-25. Review status: criteria provided, single submitter. Criteria: ACMG Guidelines, 2015. Collection method: clinical testing. Allele origin: unknown.

Genome-Nilou Lab
Classification: Benign for ABCD syndrome. Last evaluated: 2021-07-30. Review status: criteria provided, single submitter. Criteria: ACMG Guidelines, 2015. Collection method: clinical testing. Allele origin: germline. Affected: no.

Genome-Nilou Lab
Classification: Benign for Waardenburg syndrome type 4A. Last evaluated: 2021-07-30. Review status: criteria provided, single submitter. Criteria: ACMG Guidelines, 2015. Collection method: clinical testing. Allele origin: germline. Affected: no.

Mayo Clinic Laboratories, Mayo Clinic
Classification: Benign. Last evaluated: 2020-06-29. Review status: criteria provided, single submitter. Criteria: ACMG Guidelines, 2015. Collection method: clinical testing. Allele origin: germline. Observed: 159 variant alleles.

Laboratory for Molecular Medicine, Mass General Brigham Personalized Medicine
Classification: Benign. Last evaluated: 2014-11-24. Review status: criteria provided, single submitter. Criteria: LMM Criteria. Collection method: clinical testing. Allele origin: germline. Observed: 1,048 variant alleles.
Comment: Ser274Ser in exon 3 of EDNRB: This variant is not expected to have clinical sign ificance because it does not alter an amino acid residue and is not located with in the splice consensus sequence. It has been identified in 4.4% (194/4406) of A frican American chromosomes from a broad population by the NHLBI Exome Sequencin g Project (dbSNP rs5348).

Breakthrough Genomics
Classification: Benign. Review status: criteria provided, single submitter. Criteria: ACMG Guidelines, 2015. Collection method: not provided. Allele origin: germline. Inheritance: Autosomal recessive inheritance. Affected: yes.

NM_001122659.3(EDNRB):c.552T>C (p.Ser184=)

Genes: EDNRB (endothelin receptor type B; minus strand), EDNRB-AS1 (EDNRB antisense RNA 1; plus strand). Cytogenetic location: 13q22.3.
Variant type: single nucleotide variant.
Coding change: c.552T>C on transcript NM_001122659.3 (MANE Select); coding-DNA position 552, T replaced by C.
Protein change: p.Ser184=; no amino-acid change (serine 184 retained).
Molecular consequence: synonymous variant.
Genome position (GRCh38, 1-based): chr13:77,903,539, A>G on the plus strand (T>C on the coding strand, the complement: EDNRB is on the minus strand). VCF-style: chr13-77903539-A-G. GRCh37 (hg19) VCF-style: chr13-78477674-A-G.
Other names: p.Ser184=; c.552T>C, p.Ser184= (NM_000115.5, NM_003991.4); c.822T>C, p.Ser274= (NM_001201397.2).
Identifiers: ClinVar variation 226625 (VCV000226625.20), dbSNP rs5348, ClinGen allele CA7012312.